The following is an entry in ClinVar:

ClinVar aggregate classification (germline): Uncertain significance (1 of 4 stars; one submission).

Conditions:
Neurofibromatosis, type 1 (NF1). Also called: Peripheral type neurofibromatosis; Neurofibromatosis, type I; NEUROFIBROMATOSIS, TYPE I, SOMATIC; VON RECKLINGHAUSEN DISEASE. Identifiers: Orphanet 636, MedGen C0027831, MONDO:0018975, OMIM 162200. Disease mechanism: loss of function.

Submission:

Labcorp Genetics (formerly Invitae), Labcorp
Classification: Uncertain significance for Neurofibromatosis, type 1. Last evaluated: 2021-08-16. Review status: criteria provided, single submitter. Criteria: Invitae Variant Classification Sherloc (09022015). Collection method: clinical testing. Allele origin: germline.
Comment: In summary, the available evidence is currently insufficient to determine the role of this variant in disease. Therefore, it has been classified as a Variant of Uncertain Significance. Algorithms developed to predict the effect of sequence changes on RNA splicing suggest that this variant may disrupt the consensus splice site, but this prediction has not been confirmed by published transcriptional studies. This variant has not been reported in the literature in individuals with NF1-related conditions. This variant is not present in population databases (ExAC no frequency). This sequence change falls in intron 8 of the NF1 gene. It does not directly change the encoded amino acid sequence of the NF1 protein.

NM_001042492.3(NF1):c.889-8T>G

Gene: NF1 (neurofibromin 1; plus strand). Cytogenetic location: 17q11.2.
Variant type: single nucleotide variant.
Coding change: c.889-8T>G on transcript NM_001042492.3 (MANE Select); 8 bases into the intron before coding-DNA position 889, T replaced by G.
Molecular consequence: intron variant.
Genome position (GRCh38, 1-based): chr17:31,200,414, T>G. VCF-style: chr17-31200414-T-G. GRCh37 (hg19) VCF-style: chr17-29527432-T-G.
Other names: c.889-8T>G (NM_000267.4, NM_001128147.3).
Identifiers: ClinVar variation 1375691 (VCV001375691.8), dbSNP rs1452485831, ClinGen allele CA2573153752.
Genomic context (GRCh38, chr17:31,200,414, plus strand): 5'-AATATTAGCTACATCTGGAATAGAAGAAACTTCATATATTATCTTATCGCTATATTTGAA[T>G]TCTGTAGAAGTTATTTCTGGACAGTCTACGAAAAGCTCTTGCTGGCCATGGAGGAAGTAG-3'